The following is an entry in ClinVar:

ClinVar aggregate classification (germline): Uncertain significance (1 of 4 stars; one submission).

gnomAD v4.1: 9 of 398,224 alleles (0.0023%); highest among the groups gnomAD compares: East Asian, 0.028%; no homozygotes.

Submission:

Greenwood Genetic Center Diagnostic Laboratories, Greenwood Genetic Center
Classification: Uncertain significance. Last evaluated: 2022-01-31. Review status: criteria provided, single submitter. Criteria: ACMG Guidelines, 2015. Collection method: clinical testing. Allele origin: germline. Affected: yes.
Comment: PM2

NM_020338.4(ZMIZ1):c.-226-43G>A

Gene: ZMIZ1 (zinc finger MIZ-type containing 1; plus strand). Cytogenetic location: 10q22.3.
Variant type: single nucleotide variant.
Coding change: c.-226-43G>A on transcript NM_020338.4 (MANE Select); 43 bases into the intron before 226 bases upstream of the start codon, G replaced by A.
Molecular consequence: intron variant.
Genome position (GRCh38, 1-based): chr10:79,139,639, G>A. VCF-style: chr10-79139639-G-A. GRCh37 (hg19) VCF-style: chr10-80899396-G-A.
Identifiers: ClinVar variation 1676563 (VCV001676563.3), dbSNP rs1180391537, ClinGen allele CA668758579.